The following is an entry in ClinVar:

NM_016151.4(TAOK2):c.3596C>A (p.Pro1199Gln)

Gene: TAOK2 (TAO kinase 2; plus strand). Cytogenetic location: 16p11.2.
Variant type: single nucleotide variant.
Coding change: c.3596C>A on transcript NM_016151.4 (MANE Select); coding-DNA position 3596, C replaced by A.
Protein change: p.Pro1199Gln; replaces proline 1199 with glutamine.
Molecular consequence: missense variant. On other transcripts: intron variant (1).
Genome position (GRCh38, 1-based): chr16:29,987,868, C>A. VCF-style: chr16-29987868-C-A. GRCh37 (hg19) VCF-style: chr16-29999189-C-A.
Other names: c.3257C>A, p.Pro1086Gln (NM_001252043.2); c.2232+1364C>A (NM_004783.4); short protein forms P1199Q, P1086Q.
Identifiers: ClinVar variation 3679173 (VCV003679173.2).

ClinVar aggregate classification (germline): Uncertain significance (1 of 4 stars; one submission).

Submission:

Labcorp Genetics (formerly Invitae), Labcorp
Classification: Uncertain significance. Last evaluated: 2024-11-27. Review status: criteria provided, single submitter. Criteria: Invitae Variant Classification Sherloc (09022015). Collection method: clinical testing. Allele origin: germline.
Comment: This sequence change replaces proline, which is neutral and non-polar, with glutamine, which is neutral and polar, at codon 1199 of the TAOK2 protein (p.Pro1199Gln). This variant is not present in population databases (gnomAD no frequency). This variant has not been reported in the literature in individuals affected with TAOK2-related conditions. An algorithm developed to predict the effect of missense changes on protein structure and function (PolyPhen-2) suggests that this variant is likely to be tolerated. In summary, the available evidence is currently insufficient to determine the role of this variant in disease. Therefore, it has been classified as a Variant of Uncertain Significance.